The following is an entry in ClinVar:

NM_018979.4(WNK1):c.198T>C (p.Arg66=)

Gene: WNK1 (WNK lysine deficient protein kinase 1; plus strand). Cytogenetic location: 12p13.33.
Variant type: single nucleotide variant.
Coding change: c.198T>C on transcript NM_018979.4 (MANE Select); coding-DNA position 198, T replaced by C.
Protein change: p.Arg66=; no amino-acid change (arginine 66 retained).
Molecular consequence: synonymous variant.
Genome position (GRCh38, 1-based): chr12:753,763, T>C. VCF-style: chr12-753763-T-C. GRCh37 (hg19) VCF-style: chr12-862929-T-C.
Other names: c.198T>C, p.Arg66= (NM_001184985.2, NM_014823.3, NM_213655.5).
Identifiers: ClinVar variation 882319 (VCV000882319.10), dbSNP rs777517901, ClinGen allele CA6381739.

ClinVar aggregate classification (germline): Conflicting classifications of pathogenicity. Review status: criteria provided, conflicting classifications (1 of 4 stars). 4 submissions from 4 submitters: Uncertain significance (1); Likely benign (3). Last evaluated 2026-05-22.

Conditions:
WNK1-related disorder. Also called: WNK1-related condition.
Neuropathy, hereditary sensory and autonomic, type 2A (HSAN2A). Also called: ACROOSTEOLYSIS, GIACCAI TYPE; ACROOSTEOLYSIS, NEUROGENIC; HSAN IIA; MORVAN DISEASE; NEUROPATHY, CONGENITAL SENSORY; NEUROPATHY, HEREDITARY SENSORY RADICULAR, AUTOSOMAL RECESSIVE. Identifiers: Orphanet 970, MedGen C2752089, MONDO:0024309, OMIM 201300.
Pseudohypoaldosteronism type 2C (PHA2C). Also called: Pseudohypoaldosteronism Type IIC. Identifiers: Orphanet 757, Orphanet 88940, MedGen C1840391, MONDO:0013778, OMIM 614492.

Allele frequency attached by ClinVar (database versions not stated): ExAC 0.00001; gnomAD exomes 0.00002 and 0.00004; gnomAD 0.00003 and 0.00004; TOPMed 0.00004.
gnomAD v4.1: 55 of 1,612,164 alleles (0.0034%); highest among the groups gnomAD compares: Non-Finnish European, 0.0045%; no homozygotes.

Submissions (4):

PreventionGenetics, part of Exact Sciences
Classification: Likely benign for WNK1-related condition. Last evaluated: 2026-05-22. Review status: criteria provided, single submitter. Criteria: ACMG Guidelines, 2015. Collection method: clinical testing. Allele origin: germline.
Comment: This variant is classified as likely benign based on ACMG/AMP sequence variant interpretation guidelines (Richards et al. 2015 PMID: 25741868, with internal and published modifications).

Women's Health and Genetics/Laboratory Corporation of America, LabCorp
Classification: Likely benign. Last evaluated: 2025-12-23. Review status: criteria provided, single submitter. Criteria: LabCorp Variant Classification Summary - May 2015. Collection method: clinical testing. Allele origin: germline.

Labcorp Genetics (formerly Invitae), Labcorp
Classification: Likely benign for Neuropathy, hereditary sensory and autonomic, type 2A; Pseudohypoaldosteronism type 2C. Last evaluated: 2025-09-17. Review status: criteria provided, single submitter. Criteria: Invitae Variant Classification Sherloc (09022015). Collection method: clinical testing. Allele origin: germline.

Illumina Laboratory Services, Illumina
Classification: Uncertain significance for Pseudohypoaldosteronism type 2C. Last evaluated: 2018-01-12. Review status: criteria provided, single submitter. Criteria: ICSL Variant Classification Criteria 13 December 2019. Collection method: clinical testing. Allele origin: germline.